The following is an entry in ClinVar:

ClinVar aggregate classification (germline): Uncertain significance (1 of 4 stars; one submission).

Conditions:
Hereditary cancer-predisposing syndrome. Also called: Neoplastic Syndromes, Hereditary; Hereditary Cancer Syndrome; Hereditary neoplastic syndrome; Tumor predisposition. Identifiers: Orphanet 140162, MedGen C0027672, MeSH D009386, MONDO:0015356.

gnomAD v4.1: 1 of 1,614,130 alleles (0.000062%); no homozygotes.

Submission:

Ambry Genetics
Classification: Uncertain significance for Hereditary cancer-predisposing syndrome. Last evaluated: 2023-03-29. Review status: criteria provided, single submitter. Criteria: Ambry Variant Classification Scheme 2023. Collection method: clinical testing. Allele origin: germline.
Comment: The p.E1871K variant (also known as c.5611G>A), located in coding exon 26 of the DICER1 gene, results from a G to A substitution at nucleotide position 5611. The glutamic acid at codon 1871 is replaced by lysine, an amino acid with similar properties. This amino acid position is conserved. In addition, this alteration is predicted to be deleterious by in silico analysis. Since supporting evidence is limited at this time, the clinical significance of this alteration remains unclear.

NM_177438.3(DICER1):c.5611G>A (p.Glu1871Lys)

Gene: DICER1 (dicer 1, ribonuclease III; minus strand). Cytogenetic location: 14q32.13.
Variant type: single nucleotide variant.
Coding change: c.5611G>A on transcript NM_177438.3 (MANE Select); coding-DNA position 5611, G replaced by A.
Protein change: p.Glu1871Lys; replaces glutamic acid 1871 with lysine.
Molecular consequence: missense variant. On other transcripts: synonymous variant (1), non-coding transcript variant (6).
Genome position (GRCh38, 1-based): chr14:95,090,656, C>T on the plus strand (G>A on the coding strand, the complement: DICER1 is on the minus strand). VCF-style: chr14-95090656-C-T. GRCh37 (hg19) VCF-style: chr14-95556993-C-T.
Other names: c.5448G>A, p.Leu1816= (NM_001195573.1); c.5611G>A, p.Glu1871Lys (NM_001271282.3, NM_001291628.2, NM_001395677.1 and 8 more transcripts); c.5329G>A, p.Glu1777Lys (NM_001395686.1); c.5206G>A, p.Glu1736Lys (NM_001395687.1, NM_001395688.1, NM_001395689.1 and 1 more transcripts); c.5044G>A, p.Glu1682Lys (NM_001395691.1); c.3928G>A, p.Glu1310Lys (NM_001395697.1); short protein forms E1682K, E1736K, E1871K, E1310K, E1777K.
Identifiers: ClinVar variation 2566157 (VCV002566157.2), dbSNP rs2139767181, ClinGen allele CA390863800.